The following is an entry in ClinVar:

ClinVar aggregate classification (germline): Uncertain significance (1 of 4 stars; one submission).

Allele frequency attached by ClinVar (database versions not stated): gnomAD exomes below 0.00001; ExAC 0.00001.
gnomAD v4.1: 2 of 1,611,308 alleles (0.00012%); highest among the groups gnomAD compares: Middle Eastern, 0.017%; no homozygotes.

Submission:

Labcorp Genetics (formerly Invitae), Labcorp
Classification: Uncertain significance. Last evaluated: 2022-03-01. Review status: criteria provided, single submitter. Criteria: Invitae Variant Classification Sherloc (09022015). Collection method: clinical testing. Allele origin: germline.
Comment: In summary, the available evidence is currently insufficient to determine the role of this variant in disease. Therefore, it has been classified as a Variant of Uncertain Significance. Algorithms developed to predict the effect of missense changes on protein structure and function are either unavailable or do not agree on the potential impact of this missense change (SIFT: "Deleterious"; PolyPhen-2: "Possibly Damaging"; Align-GVGD: "Class C0"). This variant has not been reported in the literature in individuals affected with PSMG2-related conditions. This variant is present in population databases (rs770779984, gnomAD 0.0009%). This sequence change replaces proline, which is neutral and non-polar, with leucine, which is neutral and non-polar, at codon 215 of the PSMG2 protein (p.Pro215Leu).

NM_020232.5(PSMG2):c.644C>T (p.Pro215Leu)

Gene: PSMG2 (proteasome assembly chaperone 2; plus strand). Cytogenetic location: 18p11.21.
Variant type: single nucleotide variant.
Coding change: c.644C>T on transcript NM_020232.5 (MANE Select); coding-DNA position 644, C replaced by T.
Protein change: p.Pro215Leu; replaces proline 215 with leucine.
Molecular consequence: missense variant.
Genome position (GRCh38, 1-based): chr18:12,724,561, C>T. VCF-style: chr18-12724561-C-T. GRCh37 (hg19) VCF-style: chr18-12724560-C-T.
Other names: c.551C>T, p.Pro184Leu (NM_147163.2); short protein forms P215L, P184L.
Identifiers: ClinVar variation 2105548 (VCV002105548.4), dbSNP rs770779984, ClinGen allele CA8898471.